The following is an entry in ClinVar:

NM_000179.3(MSH6):c.1898C>G (p.Thr633Ser)

Gene: MSH6 (mutS homolog 6; plus strand). Cytogenetic location: 2p16.3.
Variant type: single nucleotide variant.
Coding change: c.1898C>G on transcript NM_000179.3 (MANE Select); coding-DNA position 1898, C replaced by G.
Protein change: p.Thr633Ser; replaces threonine 633 with serine.
Molecular consequence: missense variant.
Genome position (GRCh38, 1-based): chr2:47,799,881, C>G. VCF-style: chr2-47799881-C-G. GRCh37 (hg19) VCF-style: chr2-48027020-C-G.
Other names: c.1508C>G, p.Thr503Ser (NM_001281492.2); c.992C>G, p.Thr331Ser (NM_001281493.2, NM_001281494.2); short protein forms T633S, T331S, T503S.
Identifiers: ClinVar variation 525624 (VCV000525624.13), dbSNP rs1553413271, ClinGen allele CA346750097.

ClinVar aggregate classification (germline): Uncertain significance. Review status: criteria provided, multiple submitters, no conflicts (2 of 4 stars). 4 submissions from 4 submitters: Uncertain significance (3). 1 of the submissions does not count toward it. Last evaluated 2024-06-21.

Conditions:
Mismatch repair cancer syndrome 3. Identifiers: MedGen C5436807, MONDO:0030841, OMIM 619097.
Endometrial carcinoma. Also called: Endometrial carcinoma, somatic. Identifiers: MedGen C0476089, MONDO:0002447, OMIM 608089, HP:0012114.
Lynch syndrome 5 (LYNCH5). Also called: Colorectal cancer, hereditary nonpolyposis, type 5; Hereditary non-polyposis colorectal cancer, type 5. Identifiers: Orphanet 144, MedGen C1833477, MONDO:0013710, OMIM 614350. Disease mechanism: loss of function.
Hereditary nonpolyposis colorectal neoplasms. Identifiers: MedGen C0009405, MeSH D003123.
Hereditary cancer-predisposing syndrome. Also called: Neoplastic Syndromes, Hereditary; Tumor predisposition; Hereditary Cancer Syndrome; Hereditary neoplastic syndrome. Identifiers: Orphanet 140162, MedGen C0027672, MeSH D009386, MONDO:0015356.

Submissions (4):

Department of Pathology and Laboratory Medicine, Sinai Health System
Classification: Uncertain significance for Endometrial carcinoma; Lynch syndrome 5; Mismatch repair cancer syndrome 3. Last evaluated: 2024-06-21. Review status: criteria provided, single submitter. Criteria: ACMG Guidelines, 2015. Collection method: clinical testing. Allele origin: germline. Affected: no.

Ambry Genetics
Classification: Uncertain significance for Hereditary cancer-predisposing syndrome. Last evaluated: 2023-05-08. Review status: criteria provided, single submitter. Criteria: Ambry Variant Classification Scheme 2023. Collection method: clinical testing. Allele origin: germline.
Comment: The p.T633S variant (also known as c.1898C>G), located in coding exon 4 of the MSH6 gene, results from a C to G substitution at nucleotide position 1898. The threonine at codon 633 is replaced by serine, an amino acid with similar properties. This amino acid position is highly conserved in available vertebrate species. In addition, this alteration is predicted to be deleterious by in silico analysis. Since supporting evidence is limited at this time, the clinical significance of this alteration remains unclear.

Labcorp Genetics (formerly Invitae), Labcorp
Classification: Uncertain significance for Hereditary nonpolyposis colorectal neoplasms. Last evaluated: 2023-05-05. Review status: criteria provided, single submitter. Criteria: Invitae Variant Classification Sherloc (09022015). Collection method: clinical testing. Allele origin: germline.
Comment: In summary, the available evidence is currently insufficient to determine the role of this variant in disease. Therefore, it has been classified as a Variant of Uncertain Significance. Advanced modeling of protein sequence and biophysical properties (such as structural, functional, and spatial information, amino acid conservation, physicochemical variation, residue mobility, and thermodynamic stability) has been performed at Invitae for this missense variant, however the output from this modeling did not meet the statistical confidence thresholds required to predict the impact of this variant on MSH6 protein function. ClinVar contains an entry for this variant (Variation ID: 525624). This variant has not been reported in the literature in individuals affected with MSH6-related conditions. This variant is not present in population databases (gnomAD no frequency). This sequence change replaces threonine, which is neutral and polar, with serine, which is neutral and polar, at codon 633 of the MSH6 protein (p.Thr633Ser).

True Health Diagnostics
Classification: Uncertain significance for Hereditary cancer-predisposing syndrome. Last evaluated: 2017-12-08. Review status: no assertion criteria provided. Collection method: clinical testing. Allele origin: germline. Not counted in ClinVar's aggregate classification.